The following is an entry in ClinVar:

ClinVar aggregate classification (germline): Pathogenic/Likely pathogenic. Review status: criteria provided, multiple submitters, no conflicts (2 of 4 stars). 5 submissions from 5 submitters: Pathogenic (1); Likely pathogenic (4). Last evaluated 2024-05-15.

Conditions:
EYS-related disorder. Also called: EYS-related condition.
Retinitis pigmentosa 25 (RP25). Identifiers: Orphanet 791, MedGen C1864446, MONDO:0011272, OMIM 602772.

Submissions (5):

Natera, Inc.
Classification: Likely pathogenic for Retinitis pigmentosa type 25. Last evaluated: 2024-05-15. Review status: criteria provided, single submitter. Criteria: Natera Variant Classification Schema (03/2026). Collection method: clinical testing. Allele origin: germline.
Comment: The c.3561C>A variant in EYS is a nonsense variant predicted to introduce a stop codon at amino acid 1187. This variant is expected to result in nonsense mediated decay, truncation, or a dysfunctional protein product. This variant is rare in the general population with a frequency below the threshold expected for the associated phenotype(s). Given the available evidence, this variant is classified as Likely Pathogenic.

Fulgent Genetics
Classification: Likely pathogenic for Retinitis pigmentosa 25. Last evaluated: 2024-05-06. Review status: criteria provided, single submitter. Criteria: ACMG Guidelines, 2015. Collection method: clinical testing. Allele origin: germline.

Labcorp Genetics (formerly Invitae), Labcorp
Classification: Pathogenic. Last evaluated: 2023-10-07. Review status: criteria provided, single submitter. Criteria: Invitae Variant Classification Sherloc (09022015). Collection method: clinical testing. Allele origin: germline.
Comment: This sequence change creates a premature translational stop signal (p.Cys1187*) in the EYS gene. It is expected to result in an absent or disrupted protein product. Loss-of-function variants in EYS are known to be pathogenic (PMID: 18836446, 20333770). This variant is not present in population databases (gnomAD no frequency). This variant has not been reported in the literature in individuals affected with EYS-related conditions. ClinVar contains an entry for this variant (Variation ID: 837223). For these reasons, this variant has been classified as Pathogenic.

Baylor Genetics
Classification: Likely pathogenic for Retinitis pigmentosa 25. Last evaluated: 2022-12-12. Review status: criteria provided, single submitter. Criteria: ACMG Guidelines, 2015. Collection method: clinical testing. Allele origin: unknown.

Blueprint Genetics
Classification: Likely pathogenic for EYS-related disorders. Last evaluated: 2017-09-12. Review status: criteria provided, single submitter. Criteria: ACMG Guidelines, 2015. Collection method: clinical testing. Allele origin: germline. Affected: yes. Observed: 2 variant alleles.

Literature cited by the submitters: PubMed 18836446 (cited by Labcorp Genetics (formerly Invitae), Labcorp); PubMed 20333770 (cited by Labcorp Genetics (formerly Invitae), Labcorp).

NM_001142800.2(EYS):c.3561C>A (p.Cys1187Ter)

Gene: EYS (EGF-like photoreceptor maintenance factor; minus strand). Cytogenetic location: 6q12.
Variant type: single nucleotide variant.
Coding change: c.3561C>A on transcript NM_001142800.2 (MANE Select); coding-DNA position 3561, C replaced by A.
Protein change: p.Cys1187Ter; replaces cysteine 1187 with a stop codon.
Molecular consequence: nonsense.
Genome position (GRCh38, 1-based): chr6:64,626,128, G>T on the plus strand (C>A on the coding strand, the complement: EYS is on the minus strand). VCF-style: chr6-64626128-G-T. GRCh37 (hg19) VCF-style: chr6-65336021-G-T.
Other names: c.3561C>A, p.Cys1187Ter (NM_001292009.2); short protein forms C1187*.
Identifiers: ClinVar variation 837223 (VCV000837223.11), dbSNP rs1767601438, ClinGen allele CA364785267.
Genomic context (GRCh38, chr6:64,626,128, plus strand): 5'-AAACGTATATATTATTATATATGCAGTATGCTTATTATTTTTAAAATAATTACCTGGTTG[G>T]CATTTGCAAACATATCCATTGATGTGATCTTCACAGTCTGCACCATGTAGACATGGTGAT-3'